The following is an entry in ClinVar:

NM_001080453.3(INTS1):c.906G>A (p.Ala302=)

Gene: INTS1 (integrator complex subunit 1; minus strand). Cytogenetic location: 7p22.3.
Variant type: single nucleotide variant.
Coding change: c.906G>A on transcript NM_001080453.3 (MANE Select); coding-DNA position 906, G replaced by A.
Protein change: p.Ala302=; no amino-acid change (alanine 302 retained).
Molecular consequence: synonymous variant.
Genome position (GRCh38, 1-based): chr7:1,499,299, C>T on the plus strand (G>A on the coding strand, the complement: INTS1 is on the minus strand). VCF-style: chr7-1499299-C-T. GRCh37 (hg19) VCF-style: chr7-1538935-C-T.
Identifiers: ClinVar variation 2657215 (VCV002657215.24), dbSNP rs368209220, ClinGen allele CA4120567.
Genomic context (GRCh38, chr7:1,499,299, plus strand): 5'-GCAGGCACGCAGCTACCTGGGCATGAGCTGGCCCTCCTGCTCGGGGCTCAGCTTCTCCTC[C>T]GCGATCAGCAACTCCGTCTGGCTGTCCTCCTCCTCCGTGAGGGAGGGGTGTGGGCTGCTC-3'
Protein context (NP_001073922.2, residues 292-312): EEDSQTELLI[Ala302=]EEKLSPEQEG

ClinVar aggregate classification (germline): Likely benign (1 of 4 stars; one submission).

Allele frequency attached by ClinVar (database versions not stated): gnomAD 0.00023; TOPMed 0.00023; ExAC 0.00027; gnomAD exomes 0.00029; ESP Exome Variant Server 0.00048.
gnomAD v4.1: 459 of 1,608,028 alleles (0.029%); highest among the groups gnomAD compares: Non-Finnish European, 0.035%; no homozygotes.

Submission:

CeGaT Center for Human Genetics Tuebingen
Classification: Likely benign. Last evaluated: 2022-07-01. Review status: criteria provided, single submitter. Criteria: CeGaT Center For Human Genetics Tuebingen Variant Classification Criteria Version 2. Collection method: clinical testing. Allele origin: germline. Affected: yes. Observed: 1 variant allele.
Comment: INTS1: BP4, BP7